The following is an entry in ClinVar:

ClinVar aggregate classification (germline): Uncertain significance (1 of 4 stars; one submission).

Submission:

GeneDx
Classification: Uncertain significance. Last evaluated: 2023-02-24. Review status: criteria provided, single submitter. Criteria: GeneDx Variant Classification Process June 2021. Collection method: clinical testing. Allele origin: germline. Affected: yes.
Comment: Not observed at significant frequency in large population cohorts (gnomAD); In silico analysis supports that this missense variant has a deleterious effect on protein structure/function; Has not been previously published as pathogenic or benign to our knowledge

NM_000827.4(GRIA1):c.1487C>T (p.Thr496Ile)

Gene: GRIA1 (glutamate ionotropic receptor AMPA type subunit 1; plus strand). Cytogenetic location: 5q33.2.
Variant type: single nucleotide variant.
Coding change: c.1487C>T on transcript NM_000827.4 (MANE Select); coding-DNA position 1487, C replaced by T.
Protein change: p.Thr496Ile; replaces threonine 496 with isoleucine.
Molecular consequence: missense variant. On other transcripts: non-coding transcript variant (2).
Genome position (GRCh38, 1-based): chr5:153,705,731, C>T. VCF-style: chr5-153705731-C-T. GRCh37 (hg19) VCF-style: chr5-153085291-C-T.
Other names: c.1487C>T, p.Thr496Ile (NM_001114183.2); c.1247C>T, p.Thr416Ile (NM_001258019.2); c.1202C>T, p.Thr401Ile (NM_001258020.2); c.1517C>T, p.Thr506Ile (NM_001258021.2, NM_001258022.2); c.1280C>T, p.Thr427Ile (NM_001258023.1, NM_001364167.2); c.1319C>T, p.Thr440Ile (NM_001364165.2); c.1514C>T, p.Thr505Ile (NM_001364166.2); short protein forms T401I, T416I, T427I, T440I, T496I, T505I, T506I.
Identifiers: ClinVar variation 2577771 (VCV002577771.1), dbSNP rs2480475153, ClinGen allele CA361907935.
Genomic context (GRCh38, chr5:153,705,731, plus strand): 5'-TTTTTTTTTTTTTTTTTTTTTTTCAGAGAGCAGATGTGGCTGTGGCTCCCTTAACTATCA[C>T]TTTGGTCCGGGAAGAAGTTATAGATTTCTCCAAACCATTTATGAGTTTGGGGATCTCCAT-3'
Protein context (NP_000818.2, residues 486-506): ADVAVAPLTI[Thr496Ile]LVREEVIDFS